The following is an entry in ClinVar:

ClinVar aggregate classification (germline): Uncertain significance (1 of 4 stars; one submission).

Conditions:
Duchenne muscular dystrophy (DMD). Also called: MUSCULAR DYSTROPHY, PSEUDOHYPERTROPHIC PROGRESSIVE, DUCHENNE TYPE; Duchenne Muscular Dystrophy (DMD). Identifiers: Orphanet 98896, MedGen C0013264, MONDO:0010679, OMIM 310200.

Submission:

Labcorp Genetics (formerly Invitae), Labcorp
Classification: Uncertain significance for Duchenne muscular dystrophy. Last evaluated: 2022-12-05. Review status: criteria provided, single submitter. Criteria: Invitae Variant Classification Sherloc (09022015). Collection method: clinical testing. Allele origin: germline.
Comment: Advanced modeling of protein sequence and biophysical properties (such as structural, functional, and spatial information, amino acid conservation, physicochemical variation, residue mobility, and thermodynamic stability) performed at Invitae indicates that this missense variant is not expected to disrupt DMD protein function. In summary, the available evidence is currently insufficient to determine the role of this variant in disease. Therefore, it has been classified as a Variant of Uncertain Significance. This variant has not been reported in the literature in individuals affected with DMD-related conditions. This variant is not present in population databases (gnomAD no frequency). This sequence change replaces aspartic acid, which is acidic and polar, with glycine, which is neutral and non-polar, at codon 2655 of the DMD protein (p.Asp2655Gly).

NM_004006.3(DMD):c.7964A>G (p.Asp2655Gly)

Gene: DMD (dystrophin; minus strand). Cytogenetic location: Xp21.1.
Variant type: single nucleotide variant.
Coding change: c.7964A>G on transcript NM_004006.3 (MANE Select); coding-DNA position 7964, A replaced by G.
Protein change: p.Asp2655Gly; replaces aspartic acid 2655 with glycine.
Molecular consequence: missense variant.
Genome position (GRCh38, 1-based): chrX:31,658,053, T>C on the plus strand (A>G on the coding strand, the complement: DMD is on the minus strand). VCF-style: chrX-31658053-T-C. GRCh37 (hg19) VCF-style: chrX-31676170-T-C.
Other names: c.7940A>G, p.Asp2647Gly (NM_000109.4); c.7952A>G, p.Asp2651Gly (NM_004009.3); c.7595A>G, p.Asp2532Gly (NM_004010.3); c.3941A>G, p.Asp1314Gly (NM_004011.4); c.3932A>G, p.Asp1311Gly (NM_004012.4); c.584A>G, p.Asp195Gly (NM_004013.3, NM_004020.4, NM_004021.3 and 2 more transcripts); short protein forms D1314G, D2655G, D1311G, D2651G, D2647G, D195G, D2532G.
Identifiers: ClinVar variation 2899012 (VCV002899012.3), dbSNP rs2528809311, ClinGen allele CA412655855.
Genomic context (GRCh38, chrX:31,658,053, plus strand): 5'-TTATGAATGCTTCTCCAAGAGGCATTGATATTCTCTGTTATCATGTGGACTTTTCTGGTA[T>C]CATCTGCAGAATAATCCCGGAGAAGTTTCAGGGCCAAGTCATTTGCCACATCTACATTTG-3'
Protein context (NP_003997.2, residues 2645-2665): LKLLRDYSAD[Asp2655Gly]TRKVHMITEN